The following is an entry in ClinVar:

NM_001375524.1(TRRAP):c.633+2dup

Gene: TRRAP (transformation/transcription domain associated protein; plus strand). Cytogenetic location: 7q22.1.
Variant type: Duplication.
Coding change: c.633+2dup on transcript NM_001375524.1 (MANE Select); the canonical splice donor site of the intron after coding-DNA position 633, one base duplicated (T; older notation c.633+2dupT).
Molecular consequence: splice donor variant.
Genome position (GRCh38, 1-based): chr7:98,897,868, T duplicated. VCF-style (leftmost placement, unchanged base first): chr7-98897867-G-GT. GRCh37 (hg19) VCF-style: chr7-98495490-G-GT.
Other names: c.633+2dup (NM_001244580.2, NM_003496.4).
Identifiers: ClinVar variation 3343775 (VCV003343775.1).

ClinVar aggregate classification (germline): Uncertain significance (1 of 4 stars; one submission).

Submission:

GeneDx
Classification: Uncertain significance. Last evaluated: 2023-05-24. Review status: criteria provided, single submitter. Criteria: GeneDx Variant Classification Process June 2021. Collection method: clinical testing. Allele origin: germline. Affected: yes.
Comment: Not observed at significant frequency in large population cohorts (gnomAD); Has not been previously published as pathogenic or benign to our knowledge